The following is an entry in ClinVar:

NM_170606.3(KMT2C):c.34C>T (p.Pro12Ser)

Gene: KMT2C (lysine methyltransferase 2C; minus strand). Cytogenetic location: 7q36.1.
Variant type: single nucleotide variant.
Coding change: c.34C>T on transcript NM_170606.3 (MANE Select); coding-DNA position 34, C replaced by T.
Protein change: p.Pro12Ser; replaces proline 12 with serine.
Molecular consequence: missense variant.
Genome position (GRCh38, 1-based): chr7:152,435,753, G>A on the plus strand (C>T on the coding strand, the complement: KMT2C is on the minus strand). VCF-style: chr7-152435753-G-A. GRCh37 (hg19) VCF-style: chr7-152132838-G-A.
Other names: short protein forms P12S.
Identifiers: ClinVar variation 4853529 (VCV004853529.1).

ClinVar aggregate classification (germline): Uncertain significance (1 of 4 stars; one submission).

gnomAD v4.1: 3 of 1,514,376 alleles (0.0002%); highest among the groups gnomAD compares: Admixed American, 0.0021%; no homozygotes.

Submission:

Women's Health and Genetics/Laboratory Corporation of America, LabCorp
Classification: Uncertain significance. Last evaluated: 2026-05-06. Review status: criteria provided, single submitter. Criteria: LabCorp Variant Classification Summary - May 2015. Collection method: clinical testing. Allele origin: germline.
Comment: Variant summary: KMT2C c.34C>T (p.Pro12Ser) results in a non-conservative amino acid change in the encoded protein sequence. Algorithms developed to predict the effect of missense changes on protein structure and function are either unavailable or do not agree on the potential impact of this missense change. The variant allele was found at a frequency of 7.3e-06 in 137920 control chromosomes. The available data on variant occurrences in the general population are insufficient to allow any conclusion about variant significance. To our knowledge, no occurrence of c.34C>T in individuals affected with KMT2C-related conditions and no experimental evidence demonstrating its impact on protein function have been reported. No submitters have cited clinical-significance assessments for this variant to ClinVar. Based on the evidence outlined above, the variant was classified as uncertain significance.